The following is an entry in ClinVar:

ClinVar aggregate classification (germline): Likely benign (1 of 4 stars; one submission).

gnomAD v4.1: 100 of 1,613,996 alleles (0.0062%); highest among the groups gnomAD compares: South Asian, 0.067%; no homozygotes.

Submission:

CeGaT Center for Human Genetics Tuebingen
Classification: Likely benign. Last evaluated: 2022-12-01. Review status: criteria provided, single submitter. Criteria: CeGaT Center For Human Genetics Tuebingen Variant Classification Criteria Version 2. Collection method: clinical testing. Allele origin: germline. Affected: yes. Observed: 1 variant allele.
Comment: CLCNKA: BP4

NM_004070.4(CLCNKA):c.969-5C>A

Genes: CLCNKA (chloride voltage-gated channel Ka; plus strand), LOC106501712 (CLCNKA recombination region; plus strand). Cytogenetic location: 1p36.13.
Variant type: single nucleotide variant.
Coding change: c.969-5C>A on transcript NM_004070.4 (MANE Select); 5 bases into the intron before coding-DNA position 969, C replaced by A.
Molecular consequence: intron variant.
Genome position (GRCh38, 1-based): chr1:16,028,756, C>A. VCF-style: chr1-16028756-C-A. GRCh37 (hg19) VCF-style: chr1-16355251-C-A.
Other names: c.969-5C>A (NM_001042704.2); c.840-5C>A (NM_001257139.2).
Identifiers: ClinVar variation 2638353 (VCV002638353.24), dbSNP rs369441598, ClinGen allele CA622537.